The following is an entry in ClinVar:

ClinVar aggregate classification (germline): Uncertain significance (1 of 4 stars; one submission).

Conditions:
Koolen-de Vries syndrome (KDVS). Identifiers: Orphanet 96169, MedGen C1864871, MONDO:0012496, OMIM 610443.

Submission:

Labcorp Genetics (formerly Invitae), Labcorp
Classification: Uncertain significance for Koolen-de Vries syndrome. Last evaluated: 2025-08-10. Review status: criteria provided, single submitter. Criteria: Invitae Variant Classification Sherloc (09022015). Collection method: clinical testing. Allele origin: germline.
Comment: This sequence change replaces serine, which is neutral and polar, with threonine, which is neutral and polar, at codon 683 of the KANSL1 protein (p.Ser683Thr). This variant is not present in population databases (gnomAD no frequency). This variant has not been reported in the literature in individuals affected with KANSL1-related conditions. Invitae Evidence Modeling of protein sequence and biophysical properties (such as structural, functional, and spatial information, amino acid conservation, physicochemical variation, residue mobility, and thermodynamic stability) indicates that this missense variant is not expected to disrupt KANSL1 protein function with a negative predictive value of 80%. In summary, the available evidence is currently insufficient to determine the role of this variant in disease. Therefore, it has been classified as a Variant of Uncertain Significance.

NM_015443.4(KANSL1):c.2048G>C (p.Ser683Thr)

Gene: KANSL1 (KAT8 regulatory NSL complex subunit 1). Cytogenetic location: 17q21.31.
Variant type: single nucleotide variant.
Coding change: c.2048G>C on transcript NM_015443.4 (MANE Select); coding-DNA position 2048, G replaced by C.
Protein change: p.Ser683Thr; replaces serine 683 with threonine.
Molecular consequence: missense variant.
Genome position (GRCh38, 1-based): chr17:46,039,857, C>G on the plus strand (G>C on the coding strand, the complement: KANSL1 is on the minus strand). VCF-style: chr17-46039857-C-G. GRCh37 (hg19) VCF-style: chr17-44117223-C-G.
Other names: c.1946G>C, p.Ser649Thr (NM_001405859.1, NM_001405860.1, NM_001405861.1 and 1 more transcripts); c.2048G>C, p.Ser683Thr (NM_001405872.1, NM_001405873.1, NM_001405874.1 and 14 more transcripts); c.782G>C, p.Ser261Thr (NM_001405882.1, NM_001405883.1, NM_001405884.1 and 1 more transcripts); short protein forms S261T, S649T, S683T.
Identifiers: ClinVar variation 4809282 (VCV004809282.1).